The following is an entry in ClinVar:

NM_001276345.2(TNNT2):c.67+97C>T

Gene: TNNT2 (troponin T2, cardiac type; minus strand). Cytogenetic location: 1q32.1.
Variant type: single nucleotide variant.
Coding change: c.67+97C>T on transcript NM_001276345.2 (MANE Select); 97 bases into the intron after coding-DNA position 67, C replaced by T.
Molecular consequence: intron variant.
Genome position (GRCh38, 1-based): chr1:201,371,930, G>A on the plus strand (C>T on the coding strand, the complement: TNNT2 is on the minus strand). VCF-style: chr1-201371930-G-A. GRCh37 (hg19) VCF-style: chr1-201341058-G-A.
Other names: c.52+215C>T (NM_001001432.3); c.67+97C>T (NM_001001431.3, NM_001001430.3, NM_001276346.2 and 2 more transcripts).
Identifiers: ClinVar variation 675332 (VCV000675332.1), dbSNP rs45514004, ClinGen allele CA35431351.
Genomic context (GRCh38, chr1:201,371,930, plus strand): 5'-AGGACTGATTCCCATTTTAGAAGGCACTGTTGTTGGAGGATCTTGCTCAGCTGAGAGTGA[G>A]GAGCAGGGACAGATGAGCTGCTTTCCCAGGGCTCCCAGGATTTCCACATTGCTGAGCCTG-3'

ClinVar aggregate classification (germline): Likely benign (1 of 4 stars; one submission).

Allele frequency attached by ClinVar (database versions not stated): gnomAD exomes 0.00095; 1000 Genomes Project 0.00978; gnomAD 0.00978 and 0.01060; 1000 Genomes Project 30x 0.01046; TOPMed 0.01115.
gnomAD v4.1: 2,852 of 1,501,838 alleles (0.19%); highest among the groups gnomAD compares: African/African-American, 3.3%; 38 homozygotes.

Submission:

GeneDx
Classification: Likely benign. Last evaluated: 2018-06-14. Review status: criteria provided, single submitter. Criteria: GeneDx Variant Classification (06012015). Collection method: clinical testing. Allele origin: germline. Affected: yes.
Comment: This variant is considered likely benign or benign based on one or more of the following criteria: it is a conservative change, it occurs at a poorly conserved position in the protein, it is predicted to be benign by multiple in silico algorithms, and/or has population frequency not consistent with disease.